The following is an entry in ClinVar:

NM_004530.6(MMP2):c.*111G>A

Gene: MMP2 (matrix metallopeptidase 2; plus strand). Cytogenetic location: 16q12.2.
Variant type: single nucleotide variant.
Coding change: c.*111G>A on transcript NM_004530.6 (MANE Select); 111 bases downstream of the stop codon, G replaced by A.
Molecular consequence: 3 prime UTR variant.
Genome position (GRCh38, 1-based): chr16:55,505,553, G>A. VCF-style: chr16-55505553-G-A. GRCh37 (hg19) VCF-style: chr16-55539465-G-A.
Other names: c.*111G>A (NM_001127891.3, NM_001302508.1, NM_001302509.2 and 1 more transcripts).
Identifiers: ClinVar variation 887105 (VCV000887105.5), dbSNP rs111489165, ClinGen allele CA281401912.

ClinVar aggregate classification (germline): Benign. Review status: criteria provided, multiple submitters, no conflicts (2 of 4 stars). 2 submissions from 2 submitters: Benign (2). Last evaluated 2018-01-13.

Conditions:
Multicentric osteolysis nodulosis arthropathy spectrum. Identifiers: Orphanet 3460, Orphanet 371428, MedGen C1850155, MONDO:0018298.

Allele frequency attached by ClinVar (database versions not stated): gnomAD 0.00063 and 0.00131; TOPMed 0.00078; 1000 Genomes Project 30x 0.00703; 1000 Genomes Project 0.00779.

Submissions (2):

Illumina Laboratory Services, Illumina
Classification: Benign for Multicentric osteolysis, nodulosis, and arthropathy. Last evaluated: 2018-01-13. Review status: criteria provided, single submitter. Criteria: ICSL Variant Classification Criteria 13 December 2019. Collection method: clinical testing. Allele origin: germline.
Comment: This variant was observed in the ICSL laboratory as part of a predisposition screen in an ostensibly healthy population. It had not been previously curated by ICSL or reported in the Human Gene Mutation Database (HGMD: prior to June 1st, 2018), and was therefore a candidate for classification through an automated scoring system. Utilizing variant allele frequency, disease prevalence and penetrance estimates, and inheritance mode, an automated score was calculated to assess if this variant is too frequent to cause the disease. Based on the score and internal cut-off values, a variant classified as benign is not then subjected to further curation. The score for this variant resulted in a classification of benign for this disease.

Breakthrough Genomics
Classification: Benign. Review status: criteria provided, single submitter. Criteria: ACMG Guidelines, 2015. Collection method: not provided. Allele origin: germline. Inheritance: Autosomal recessive inheritance. Affected: yes.